The following is an entry in ClinVar:

ClinVar aggregate classification (germline): Uncertain significance (1 of 4 stars; one submission).

Allele frequency attached by ClinVar (database versions not stated): gnomAD exomes below 0.00001.
gnomAD v4.1: 5 of 1,612,942 alleles (0.00031%); highest among the groups gnomAD compares: Non-Finnish European, 0.00042%; no homozygotes.

Submission:

Labcorp Genetics (formerly Invitae), Labcorp
Classification: Uncertain significance. Last evaluated: 2023-05-08. Review status: criteria provided, single submitter. Criteria: Invitae Variant Classification Sherloc (09022015). Collection method: clinical testing. Allele origin: germline.
Comment: This sequence change creates a premature translational stop signal (p.Arg364*) in the CLCN6 gene. It is expected to result in an absent or disrupted protein product. However, the current clinical and genetic evidence is not sufficient to establish whether loss-of-function variants in CLCN6 cause disease. This variant is not present in population databases (gnomAD no frequency). This variant has not been reported in the literature in individuals affected with CLCN6-related conditions. Experimental studies and prediction algorithms are not available or were not evaluated, and the functional significance of this variant is currently unknown. Algorithms developed to predict the effect of sequence changes on RNA splicing suggest that this variant may disrupt the consensus splice site. In summary, the available evidence is currently insufficient to determine the role of this variant in disease. Therefore, it has been classified as a Variant of Uncertain Significance.

NM_001286.5(CLCN6):c.1090C>T (p.Arg364Ter)

Gene: CLCN6 (chloride voltage-gated channel 6; plus strand). Cytogenetic location: 1p36.22.
Variant type: single nucleotide variant.
Coding change: c.1090C>T on transcript NM_001286.5 (MANE Select); coding-DNA position 1090, C replaced by T.
Protein change: p.Arg364Ter; replaces arginine 364 with a stop codon.
Molecular consequence: nonsense. On other transcripts: non-coding transcript variant (1).
Genome position (GRCh38, 1-based): chr1:11,828,593, C>T. VCF-style: chr1-11828593-C-T. GRCh37 (hg19) VCF-style: chr1-11888650-C-T.
Other names: c.1024C>T, p.Arg342Ter (NM_001256959.2); short protein forms R364*, R342*.
Identifiers: ClinVar variation 2860477 (VCV002860477.3), dbSNP rs2523129383, ClinGen allele CA338430654.
Genomic context (GRCh38, chr1:11,828,593, plus strand): 5'-GGGGGCCTCCTGGGAGCCACATTCAACTGTCTGAACAAGAGGCTTGCAAAGTACCGTATG[C>T]GAAACGTGCACCCGAAACCTAAGCTCGTCAGGTATCTGCACAGTCGCCTCCCCCCCGAGC-3'